The following is an entry in ClinVar:

NM_000069.3(CACNA1S):c.1576G>A (p.Val526Met)

Gene: CACNA1S (calcium voltage-gated channel subunit alpha1 S; minus strand). Cytogenetic location: 1q32.1.
Variant type: single nucleotide variant.
Coding change: c.1576G>A on transcript NM_000069.3 (MANE Select); coding-DNA position 1576, G replaced by A.
Protein change: p.Val526Met; replaces valine 526 with methionine.
Molecular consequence: missense variant.
Genome position (GRCh38, 1-based): chr1:201,077,922, C>T on the plus strand (G>A on the coding strand, the complement: CACNA1S is on the minus strand). VCF-style: chr1-201077922-C-T. GRCh37 (hg19) VCF-style: chr1-201047050-C-T.
Other names: short protein forms V526M.
Identifiers: ClinVar variation 1380623 (VCV001380623.9), dbSNP rs557195329, ClinGen allele CA078411.

ClinVar aggregate classification (germline): Uncertain significance. Review status: criteria provided, multiple submitters, no conflicts (2 of 4 stars). 3 submissions from 3 submitters: Uncertain significance (3). Last evaluated 2025-09-01.

Conditions:
Malignant hyperthermia, susceptibility to, 5 (MHS5). Also called: CACNA1S-Related Malignant Hyperthermia Susceptibility. Identifiers: Orphanet 423, MedGen C1866077, MONDO:0011163, OMIM 601887.
Hypokalemic periodic paralysis, type 1. Also called: HypoPP; Hypokalemic Periodic Paralysis Type 1 (AD). Identifiers: Orphanet 681, MedGen C3714580, MONDO:0042979, OMIM 170400.

Allele frequency attached by ClinVar (database versions not stated): ExAC 0.00001; gnomAD 0.00001; gnomAD exomes 0.00001 and 0.00002; TOPMed 0.00002; 1000 Genomes Project 30x 0.00016; 1000 Genomes Project 0.00020.
gnomAD v4.1: 26 of 1,614,116 alleles (0.0016%); highest among the groups gnomAD compares: Middle Eastern, 0.016%; no homozygotes.

Submissions (3):

Labcorp Genetics (formerly Invitae), Labcorp
Classification: Uncertain significance for Hypokalemic periodic paralysis, type 1; Malignant hyperthermia, susceptibility to, 5. Last evaluated: 2025-09-01. Review status: criteria provided, single submitter. Criteria: Invitae Variant Classification Sherloc (09022015). Collection method: clinical testing. Allele origin: germline.
Comment: This sequence change replaces valine, which is neutral and non-polar, with methionine, which is neutral and non-polar, at codon 526 of the CACNA1S protein (p.Val526Met). This variant is present in population databases (rs557195329, gnomAD 0.003%). This missense change has been observed in individual(s) with CACNA1S associated conditions (PMID: 36796140). ClinVar contains an entry for this variant (Variation ID: 1380623). Invitae Evidence Modeling of protein sequence and biophysical properties (such as structural, functional, and spatial information, amino acid conservation, physicochemical variation, residue mobility, and thermodynamic stability) has been performed for this missense variant. However, the output from this modeling did not meet the statistical confidence thresholds required to predict the impact of this variant on CACNA1S protein function. In summary, the available evidence is currently insufficient to determine the role of this variant in disease. Therefore, it has been classified as a Variant of Uncertain Significance.

All of Us Research Program, National Institutes of Health
Classification: Uncertain significance for Malignant hyperthermia, susceptibility to, 5. Last evaluated: 2024-08-13. Review status: criteria provided, single submitter. Criteria: ACMG Guidelines, 2015. Collection method: clinical testing. Allele origin: germline. Inheritance: Autosomal dominant inheritance. Observed: 5 variant alleles, 5 heterozygotes.
Comment: This missense variant replaces valine with methionine at codon 526 of the CACNA1S protein. Computational prediction suggests that this variant may have deleterious impact on protein structure and function (internally defined REVEL score threshold >= 0.7, PMID: 27666373). To our knowledge, functional studies have not been reported for this variant. This variant has not been reported in individuals affected with CACNA1S-related disorders in the literature. This variant has been identified in 3/251232 chromosomes in the general population by the Genome Aggregation Database (gnomAD). The available evidence is insufficient to determine the role of this variant in disease conclusively. Therefore, this variant is classified as a Variant of Uncertain Significance.

This study involves interpretation of variants in research participants for the purpose of population health screening. Participant phenotype was not available at the time of variant classification. Additional details can be found in publication PMID: 35346344, PMCID: PMC8962531

Color Diagnostics, LLC DBA Color Health
Classification: Uncertain significance for Malignant hyperthermia, susceptibility to, 5. Last evaluated: 2024-04-24. Review status: criteria provided, single submitter. Criteria: ACMG Guidelines, 2015. Collection method: clinical testing. Allele origin: germline.
Comment: This missense variant replaces valine with methionine at codon 526 of the CACNA1S protein. Computational prediction suggests that this variant may have deleterious impact on protein structure and function. To our knowledge, functional studies have not been reported for this variant. This variant has not been reported in individuals affected with CACNA1S-related disorders in the literature. This variant has been identified in 3/251232 chromosomes in the general population by the Genome Aggregation Database (gnomAD). The available evidence is insufficient to determine the role of this variant in disease conclusively. Therefore, this variant is classified as a Variant of Uncertain Significance.

Literature cited by the submitters: PubMed 36796140 (cited by Labcorp Genetics (formerly Invitae), Labcorp).